The following is an entry in ClinVar:

NM_000168.6(GLI3):c.815A>G (p.His272Arg)

Gene: GLI3 (GLI family zinc finger 3; minus strand). Cytogenetic location: 7p14.1.
Variant type: single nucleotide variant.
Coding change: c.815A>G on transcript NM_000168.6 (MANE Select); coding-DNA position 815, A replaced by G.
Protein change: p.His272Arg; replaces histidine 272 with arginine.
Molecular consequence: missense variant.
Genome position (GRCh38, 1-based): chr7:42,045,395, T>C on the plus strand (A>G on the coding strand, the complement: GLI3 is on the minus strand). VCF-style: chr7-42045395-T-C. GRCh37 (hg19) VCF-style: chr7-42084994-T-C.
Other names: short protein forms H272R.
Identifiers: ClinVar variation 2575786 (VCV002575786.1), dbSNP rs1784224885, ClinGen allele CA367330707.
Genomic context (GRCh38, chr7:42,045,395, plus strand): 5'-GTTGCCTTTGCCATTTCCCAAGACTCTAGAAACCAGCCCCGTCACTTACTATCCATAGCA[T>C]GAAGATATTCCATGTGGATGGCCCCCGTGCCGGCGGTGGCAGCTGAGGGAATAATGTCTG-3'
Protein context (NP_000159.3, residues 262-282): GTGAIHMEYL[His272Arg]AMDSTRFSSP

ClinVar aggregate classification (germline): Uncertain significance (1 of 4 stars; one submission).

Allele frequency attached by ClinVar (database versions not stated): gnomAD exomes below 0.00001.
gnomAD v4.1: 1 of 1,614,076 alleles (0.000062%); highest among the groups gnomAD compares: Non-Finnish European, 0.000085%; no homozygotes.

Submission:

GeneDx
Classification: Uncertain significance. Last evaluated: 2023-02-08. Review status: criteria provided, single submitter. Criteria: GeneDx Variant Classification Process June 2021. Collection method: clinical testing. Allele origin: germline. Affected: yes.
Comment: Not observed at significant frequency in large population cohorts (gnomAD); In silico analysis supports that this missense variant does not alter protein structure/function; Has not been previously published as pathogenic or benign to our knowledge